The following is an entry in ClinVar:

ClinVar aggregate classification (germline): Uncertain significance (1 of 4 stars; one submission).

Allele frequency attached by ClinVar (database versions not stated): gnomAD exomes 0.00001.
gnomAD v4.1: 4 of 1,612,336 alleles (0.00025%); highest among the groups gnomAD compares: East Asian, 0.0089%; no homozygotes.

Submission:

Labcorp Genetics (formerly Invitae), Labcorp
Classification: Uncertain significance. Last evaluated: 2024-02-23. Review status: criteria provided, single submitter. Criteria: Invitae Variant Classification Sherloc (09022015). Collection method: clinical testing. Allele origin: germline.
Comment: This sequence change falls in intron 2 of the PDE4D gene. It does not directly change the encoded amino acid sequence of the PDE4D protein. It affects a nucleotide within the consensus splice site. The frequency data for this variant in the population databases is considered unreliable, as metrics indicate poor data quality at this position in the gnomAD database. This variant has not been reported in the literature in individuals affected with PDE4D-related conditions. ClinVar contains an entry for this variant (Variation ID: 2116909). Variants that disrupt the consensus splice site are a relatively common cause of aberrant splicing (PMID: 17576681, 9536098). Algorithms developed to predict the effect of sequence changes on RNA splicing suggest that this variant is not likely to affect RNA splicing. In summary, the available evidence is currently insufficient to determine the role of this variant in disease. Therefore, it has been classified as a Variant of Uncertain Significance.

Literature cited by the submitters: PubMed 17576681; PubMed 9536098.

NM_001104631.2(PDE4D):c.647+3A>G

Gene: PDE4D (phosphodiesterase 4D; minus strand). Cytogenetic location: 5q11.2.
Variant type: single nucleotide variant.
Coding change: c.647+3A>G on transcript NM_001104631.2 (MANE Select); 3 bases into the intron after coding-DNA position 647, A replaced by G.
Molecular consequence: intron variant. On other transcripts: synonymous variant (1).
Genome position (GRCh38, 1-based): chr5:59,215,774, T>C on the plus strand (A>G on the coding strand, the complement: PDE4D is on the minus strand). VCF-style: chr5-59215774-T-C. GRCh37 (hg19) VCF-style: chr5-58511600-T-C.
Other names: c.458A>G, p.Ter153= (NM_001364601.1); c.464+3A>G (NM_001364599.1, NM_001165899.2, NM_001364600.2); c.-48+3A>G (NM_001349243.2, NM_001364604.1); c.434+3A>G (NM_001349241.2); c.455+3A>G (NM_001197218.2, NM_001364602.2); c.-304+3A>G (NM_001364603.1); c.239+3A>G (NM_006203.5); c.317+3A>G (NM_001349242.2); and 2 more.
Identifiers: ClinVar variation 2116909 (VCV002116909.4), dbSNP rs1254907907, ClinGen allele CA559915936.